The following is an entry in ClinVar:

NM_000038.6(APC):c.537C>T (p.Ser179=)

Gene: APC (APC regulator of Wnt signaling pathway; plus strand). Cytogenetic location: 5q22.2.
Variant type: single nucleotide variant.
Coding change: c.537C>T on transcript NM_000038.6 (MANE Select); coding-DNA position 537, C replaced by T.
Protein change: p.Ser179=; no amino-acid change (serine 179 retained).
Molecular consequence: synonymous variant. On other transcripts: 5 prime UTR variant (4), non-coding transcript variant (2).
Genome position (GRCh38, 1-based): chr5:112,780,795, C>T. VCF-style: chr5-112780795-C-T. GRCh37 (hg19) VCF-style: chr5-112116492-C-T.
Other names: c.537C>T, p.Ser179= (NM_001127510.3, NM_001354895.2, NM_001354896.2 and 16 more transcripts); c.567C>T, p.Ser189= (NM_001127511.3, NM_001354897.2, NM_001354902.2 and 1 more transcripts); c.462C>T, p.Ser154= (NM_001354898.2, NM_001354904.2, NM_001407451.1); c.360C>T, p.Ser120= (NM_001354900.2, NM_001354901.2, NM_001354905.2 and 1 more transcripts); c.-499C>T (NM_001354906.2, NM_001407470.1, NM_001407471.1 and 1 more transcripts).
Identifiers: ClinVar variation 1747149 (VCV001747149.3), dbSNP rs149736402, ClinGen allele CA445755480.

ClinVar aggregate classification (germline): Benign/Likely benign. Review status: criteria provided, multiple submitters, no conflicts (2 of 4 stars). 2 submissions from 2 submitters: Benign (1); Likely benign (1). Last evaluated 2026-06-22.

Conditions:
Hereditary cancer-predisposing syndrome. Also called: Hereditary Cancer Syndrome; Hereditary neoplastic syndrome; Neoplastic Syndromes, Hereditary; Tumor predisposition. Identifiers: Orphanet 140162, MedGen C0027672, MeSH D009386, MONDO:0015356.
Familial adenomatous polyposis 1 (FAP1). Also called: FAMILIAL ADENOMATOUS POLYPOSIS 1, ATTENUATED; POLYPOSIS, ADENOMATOUS INTESTINAL. Identifiers: MedGen C2713442, MONDO:0021056, OMIM 175100. Disease mechanism: loss of function.

gnomAD v4.1: 1 of 1,608,140 alleles (0.000062%); highest among the groups gnomAD compares: Non-Finnish European, 0.000085%; no homozygotes.

Submissions (2):

Ambry Genetics
Classification: Likely benign for Hereditary cancer-predisposing syndrome. Last evaluated: 2026-06-22. Review status: criteria provided, single submitter. Criteria: Ambry Variant Classification Scheme 2023. Collection method: clinical testing. Allele origin: germline.

Myriad Genetics, Inc.
Classification: Benign for Familial adenomatous polyposis 1. Last evaluated: 2024-02-23. Review status: criteria provided, single submitter. Criteria: Myriad Autosomal Dominant, Autosomal Recessive and X-Linked Classification Criteria (2023). Collection method: clinical testing. Allele origin: unknown.
Comment: This variant is considered benign. This variant is a silent/synonymous amino acid change and it is not expected to impact splicing.